The following is an entry in ClinVar:

ClinVar aggregate classification (germline): Uncertain significance. Review status: criteria provided, multiple submitters, no conflicts (2 of 4 stars). 2 submissions from 2 submitters: Uncertain significance (2). Last evaluated 2025-11-06.

Conditions:
Congenital myopathy with internal nuclei and atypical cores. Also called: Myopathy, centronuclear, 4. Identifiers: Orphanet 319160, MedGen C4707232, MONDO:0013890, OMIM 614807.

Allele frequency attached by ClinVar (database versions not stated): gnomAD 0.00001; ExAC 0.00003; TOPMed 0.00003.

Submissions (2):

Labcorp Genetics (formerly Invitae), Labcorp
Classification: Uncertain significance for Congenital myopathy with internal nuclei and atypical cores. Last evaluated: 2025-11-06. Review status: criteria provided, single submitter. Criteria: Invitae Variant Classification Sherloc (09022015). Collection method: clinical testing. Allele origin: germline.
Comment: This sequence change replaces arginine, which is basic and polar, with tryptophan, which is neutral and slightly polar, at codon 282 of the CCDC78 protein (p.Arg282Trp). This variant is present in population databases (rs747752625, gnomAD 0.005%). This variant has not been reported in the literature in individuals affected with CCDC78-related conditions. ClinVar contains an entry for this variant (Variation ID: 1397999). Invitae Evidence Modeling of protein sequence and biophysical properties (such as structural, functional, and spatial information, amino acid conservation, physicochemical variation, residue mobility, and thermodynamic stability) has been performed for this missense variant. However, the output from this modeling did not meet the statistical confidence thresholds required to predict the impact of this variant on CCDC78 protein function. In summary, the available evidence is currently insufficient to determine the role of this variant in disease. Therefore, it has been classified as a Variant of Uncertain Significance.

Fulgent Genetics
Classification: Uncertain significance for Congenital myopathy with internal nuclei and atypical cores. Last evaluated: 2021-12-21. Review status: criteria provided, single submitter. Criteria: ACMG Guidelines, 2015. Collection method: clinical testing. Allele origin: unknown.

NM_001378030.1(CCDC78):c.844C>T (p.Arg282Trp)

Gene: CCDC78 (coiled-coil domain containing 78; minus strand). Cytogenetic location: 16p13.3.
Variant type: single nucleotide variant.
Coding change: c.844C>T on transcript NM_001378030.1 (MANE Select); coding-DNA position 844, C replaced by T.
Protein change: p.Arg282Trp; replaces arginine 282 with tryptophan.
Molecular consequence: missense variant. On other transcripts: non-coding transcript variant (5).
Genome position (GRCh38, 1-based): chr16:724,431, G>A on the plus strand (C>T on the coding strand, the complement: CCDC78 is on the minus strand). VCF-style: chr16-724431-G-A. GRCh37 (hg19) VCF-style: chr16-774431-G-A.
Other names: c.844C>T, p.Arg282Trp (NM_001031737.3, NM_001378031.1); c.277C>T, p.Arg93Trp (NM_001378033.1); short protein forms R282W, R93W.
Identifiers: ClinVar variation 1397999 (VCV001397999.9), dbSNP rs747752625, ClinGen allele CA7789383.
Genomic context (GRCh38, chr16:724,431, plus strand): 5'-TCTTGTGGTAGCTGCGGGCAGCCCGGGCCAGCTGCTGCTCACGGCTGCGGTGCGCTGCCC[G>A]GATGTCCTCCAGAGTCGCCTCCAGGAATGTCCGGAGGGCCGTGGTGGCTGGCGCTTGGCC-3'
Protein context (NP_001364959.1, residues 272-292): TFLEATLEDI[Arg282Trp]AAHRSREQQL